The following is an entry in ClinVar:

ClinVar aggregate classification (germline): Benign/Likely benign. Review status: criteria provided, multiple submitters, no conflicts (2 of 4 stars). 10 submissions from 10 submitters: Benign (3); Likely benign (7). Last evaluated 2026-08-01.

Conditions:
Fanconi anemia (FA). Also called: Fanconi's anemia. Identifiers: Orphanet 84, MedGen C0015625, MeSH D005199, MONDO:0019391.
Fanconi anemia complementation group E (FANCE). Also called: FANCE-Related Fanconi Anemia. Identifiers: Orphanet 84, MedGen C3160739, MONDO:0010953, OMIM 600901.

Allele frequency attached by ClinVar (database versions not stated): 1000 Genomes Project 0.00200; 1000 Genomes Project 30x 0.00203; ExAC 0.00369; gnomAD exomes 0.00411 and 0.00667; gnomAD 0.00413 and 0.00429; TOPMed 0.00450; ESP Exome Variant Server 0.00454.
gnomAD v4.1: 10,337 of 1,613,944 alleles (0.64%); highest among the groups gnomAD compares: Non-Finnish European, 0.79%; 46 homozygotes.

Submissions (10):

CeGaT Center for Human Genetics Tuebingen
Classification: Likely benign. Last evaluated: 2026-08-01. Review status: criteria provided, single submitter. Criteria: CeGaT Center For Human Genetics Tuebingen Variant Classification Criteria Version 2. Collection method: clinical testing. Allele origin: germline. Affected: yes. Observed: 49 variant alleles.
Comment: FANCE: BP4, BS2

Labcorp Genetics (formerly Invitae), Labcorp
Classification: Benign for Fanconi anemia complementation group E. Last evaluated: 2026-02-04. Review status: criteria provided, single submitter. Criteria: Invitae Variant Classification Sherloc (09022015). Collection method: clinical testing. Allele origin: germline.

ARUP Laboratories, Molecular Genetics and Genomics, ARUP Laboratories
Classification: Benign for Fanconi anemia complementation group E. Last evaluated: 2025-05-15. Review status: criteria provided, single submitter. Criteria: ARUP Molecular Germline Variant Investigation Process 2024. Collection method: clinical testing. Allele origin: germline.

Blueprint Genetics
Classification: Likely benign. Last evaluated: 2024-11-22. Review status: criteria provided, single submitter. Criteria: ACMG Guidelines, 2015. Collection method: clinical testing. Allele origin: germline.

Fulgent Genetics
Classification: Likely benign for Fanconi anemia complementation group E. Last evaluated: 2021-07-21. Review status: criteria provided, single submitter. Criteria: ACMG Guidelines, 2015. Collection method: clinical testing. Allele origin: unknown.

GeneDx
Classification: Likely benign. Last evaluated: 2021-06-02. Review status: criteria provided, single submitter. Criteria: GeneDx Variant Classification Process June 2021. Collection method: clinical testing. Allele origin: germline. Affected: yes.

Genetic Services Laboratory, University of Chicago
Classification: Benign. Last evaluated: 2021-05-27. Review status: criteria provided, single submitter. Criteria: ACMG Guidelines, 2015. Collection method: clinical testing. Allele origin: germline. Affected: no.

Sema4
Classification: Likely benign for Fanconi anemia. Last evaluated: 2021-04-23. Review status: criteria provided, single submitter. Criteria: Sema4 Curation Guidelines. Collection method: curation. Allele origin: germline.

Illumina Laboratory Services, Illumina
Classification: Likely benign for Fanconi anemia complementation group E. Last evaluated: 2018-01-13. Review status: criteria provided, single submitter. Criteria: ICSL Variant Classification Criteria 13 December 2019. Collection method: clinical testing. Allele origin: germline.
Comment: This variant was observed in the ICSL laboratory as part of a predisposition screen in an ostensibly healthy population. It had not been previously curated by ICSL or reported in the Human Gene Mutation Database (HGMD: prior to June 1st, 2018), and was therefore a candidate for classification through an automated scoring system. Utilizing variant allele frequency, disease prevalence and penetrance estimates, and inheritance mode, an automated score was calculated to assess if this variant is too frequent to cause the disease. Based on the score and internal cut-off values, a variant classified as likely benign is not then subjected to further curation. The score for this variant resulted in a classification of likely benign for this disease.

Breakthrough Genomics
Classification: Likely benign. Review status: criteria provided, single submitter. Criteria: ACMG Guidelines, 2015. Collection method: not provided. Allele origin: germline. Inheritance: Autosomal recessive inheritance. Affected: yes.

NM_021922.3(FANCE):c.1572G>A (p.Arg524=)

Gene: FANCE (FA complementation group E; plus strand). Cytogenetic location: 6p21.31.
Variant type: single nucleotide variant.
Coding change: c.1572G>A on transcript NM_021922.3 (MANE Select); coding-DNA position 1572, G replaced by A.
Protein change: p.Arg524=; no amino-acid change (arginine 524 retained).
Molecular consequence: synonymous variant.
Genome position (GRCh38, 1-based): chr6:35,466,306, G>A. VCF-style: chr6-35466306-G-A. GRCh37 (hg19) VCF-style: chr6-35434083-G-A.
Identifiers: ClinVar variation 221002 (VCV000221002.65), dbSNP rs115195341, ClinGen allele CA348320.